The following is an entry in ClinVar:

NM_144997.7(FLCN):c.583G>A (p.Gly195Arg)

Gene: FLCN (folliculin; minus strand). Cytogenetic location: 17p11.2.
Variant type: single nucleotide variant.
Coding change: c.583G>A on transcript NM_144997.7 (MANE Select); coding-DNA position 583, G replaced by A.
Protein change: p.Gly195Arg; replaces glycine 195 with arginine.
Molecular consequence: missense variant.
Genome position (GRCh38, 1-based): chr17:17,223,957, C>T on the plus strand (G>A on the coding strand, the complement: FLCN is on the minus strand). VCF-style: chr17-17223957-C-T. GRCh37 (hg19) VCF-style: chr17-17127271-C-T.
Other names: c.637G>A, p.Gly213Arg (NM_001353229.2); c.583G>A, p.Gly195Arg (NM_001353230.2, NM_001353231.2, NM_144606.7); short protein forms G195R, G213R.
Identifiers: ClinVar variation 1057462 (VCV001057462.5), dbSNP rs1567819544, ClinGen allele CA398534243.

ClinVar aggregate classification (germline): Uncertain significance (1 of 4 stars; one submission).

Conditions:
Birt-Hogg-Dube syndrome. Also called: Birt Hogg Dubé syndrome. Identifiers: Orphanet 122, MedGen C0346010, MONDO:0800444.

Submission:

Labcorp Genetics (formerly Invitae), Labcorp
Classification: Uncertain significance for Birt-Hogg-Dube syndrome. Last evaluated: 2025-04-02. Review status: criteria provided, single submitter. Criteria: Invitae Variant Classification Sherloc (09022015). Collection method: clinical testing. Allele origin: germline.
Comment: This sequence change replaces glycine, which is neutral and non-polar, with arginine, which is basic and polar, at codon 195 of the FLCN protein (p.Gly195Arg). This variant is not present in population databases (gnomAD no frequency). This variant has not been reported in the literature in individuals affected with FLCN-related conditions. ClinVar contains an entry for this variant (Variation ID: 1057462). Invitae Evidence Modeling of protein sequence and biophysical properties (such as structural, functional, and spatial information, amino acid conservation, physicochemical variation, residue mobility, and thermodynamic stability) indicates that this missense variant is not expected to disrupt FLCN protein function with a negative predictive value of 80%. In summary, the available evidence is currently insufficient to determine the role of this variant in disease. Therefore, it has been classified as a Variant of Uncertain Significance.